The following is an entry in ClinVar:

ClinVar aggregate classification (germline): Pathogenic. Review status: criteria provided, multiple submitters, no conflicts (2 of 4 stars). 15 submissions from 15 submitters: Pathogenic (11). 4 of the submissions do not count toward it. Last evaluated 2026-01-19.

Conditions:
EIF2B2-related disorder. Also called: EIF2B2-related condition.
Leukoencephalopathy with vanishing white matter 2 (VWM2). Also called: Leukoencephalopathy with vanishing white matter 2, with or without ovarian failure; EIF2B2-Related Childhood Ataxia with Central Nervous System Hypomyelination/Vanishing White Matter. Identifiers: MedGen C5830404, MONDO:0957870, OMIM 620312.
Leukoencephalopathy with vanishing white matter 1 (VWM1). Also called: Cree leukoencephalopathy; CHILDHOOD ATAXIA WITH CENTRAL NERVOUS SYSTEM HYPOMYELINIZATION; Vanishing white matter leukodystrophy; EIF2B1-Related Childhood Ataxia with Central Nervous System Hypomyelination/Vanishing White Matter. Identifiers: Orphanet 99854, MedGen C5779972, MONDO:0020507, OMIM 603896.
Vanishing white matter disease. Also called: Childhood ataxia with diffuse central nervous system hypomyelination; Leukoencephalopathy with vanishing white matter; CACH/VWM syndrome; Cree leukoencehalopathy; CACH syndrome. Identifiers: Orphanet 135, Orphanet 99853, MedGen C1858991, MONDO:0800448.

Allele frequency attached by ClinVar (database versions not stated): gnomAD exomes 0.00003 and 0.00007; ExAC 0.00003; TOPMed 0.00007; gnomAD 0.00007.

Submissions 1 to 10 of 15:

Labcorp Genetics (formerly Invitae), Labcorp
Classification: Pathogenic. Last evaluated: 2026-01-19. Review status: criteria provided, single submitter. Criteria: Invitae Variant Classification Sherloc (09022015). Collection method: clinical testing. Allele origin: germline.
Comment: This sequence change replaces glutamic acid, which is acidic and polar, with glycine, which is neutral and non-polar, at codon 213 of the EIF2B2 protein (p.Glu213Gly). This variant is present in population databases (rs104894425, gnomAD 0.009%). This missense change has been observed in individuals with leukoencephalopathy with vanishing white matter (PMID: 11704758, 12707859, 15136673, 21560189). ClinVar contains an entry for this variant (Variation ID: 4336). Invitae Evidence Modeling of protein sequence and biophysical properties (such as structural, functional, and spatial information, amino acid conservation, physicochemical variation, residue mobility, and thermodynamic stability) indicates that this missense variant is not expected to disrupt EIF2B2 protein function with a negative predictive value of 80%. Experimental studies have shown that this missense change affects EIF2B2 function (PMID: 15060152). For these reasons, this variant has been classified as Pathogenic.

Variantyx, Inc.
Classification: Pathogenic for Leukoencephalopathy with vanishing white matter 2. Last evaluated: 2025-12-25. Review status: criteria provided, single submitter. Criteria: Variantyx Assertion Criteria 2022. Collection method: clinical testing. Allele origin: germline. Inheritance: Autosomal recessive inheritance. Affected: no.
Comment: This is a nonsynonymous variant in the EIF2B2 gene (OMIM: 606454). Pathogenic variants in this gene have been associated with autosomal recessive Leukoencephalopathy with vanishing white matter 2, with or without ovarian failure. This variant has been identified in the homozygous or compound heterozygous state in several individuals reported in the published literature (PMID: 11704758, 21560189, 16823698, 15136673) (PM3). Functional studies have shown that this variant alters EIF2B2 protein function (PMID: 21560189) (PS3) , and multiple computational algorithms predict a deleterious effect for this variant (REVEL score: 0.969) (PP3). This variant has a 0.0089% maximum allele frequency in non-founder control populations (PM2). Based on the current evidence, this variant is classified as pathogenic for autosomal recessive Leukoencephalopathy with vanishing white matter 2, with or without ovarian failure.

Mayo Clinic Laboratories, Mayo Clinic
Classification: Pathogenic. Last evaluated: 2025-07-03. Review status: criteria provided, single submitter. Criteria: ACMG Guidelines, 2015. Collection method: clinical testing. Allele origin: germline. Observed: 1 variant allele.
Comment: PP3_strong, PP4, PM2_supporting, PM3_strong, PS3

GeneDx
Classification: Pathogenic. Last evaluated: 2022-03-04. Review status: criteria provided, single submitter. Criteria: GeneDx Variant Classification Process June 2021. Collection method: clinical testing. Allele origin: germline. Affected: yes.
Comment: In vitro studies have shown that in the homozygous state E213G enzyme activity was reduced by approximately 50%, and when reported with a second EIF2B2 variant (phase unknown) reduced translation was observed (Liu et al., 2011; Moon et al., 2018); Not observed at a significant frequency in large population cohorts (gnomAD); In silico analysis, which includes protein predictors and evolutionary conservation, supports a deleterious effect; This variant is associated with the following publications: (PMID: 31438897, 33432707, 21560189, 22729508, 20958979, 18263758, 12707859, 16823698, 11704758, 15776425, 29632131, 31589614)

Women's Health and Genetics/Laboratory Corporation of America, LabCorp
Classification: Pathogenic for Vanishing white matter disease. Last evaluated: 2021-11-05. Review status: criteria provided, single submitter. Criteria: LabCorp Variant Classification Summary - May 2015. Collection method: clinical testing. Allele origin: germline.
Comment: Variant summary: EIF2B2 c.638A>G (p.Glu213Gly) results in a non-conservative amino acid change in the encoded protein sequence. Five of five in-silico tools predict a damaging effect of the variant on protein function. The variant allele was found at a frequency of 3.2e-05 in 251480 control chromosomes. c.638A>G has been reported in the literature as homozygous and compound heterozygous genotypes in multiple individuals affected with Leukoencephalopathy With Vanishing White Matter (examples- Leegwater_2001, Fogli_2004). These data indicate that the variant is very likely to be associated with disease. Several publications report experimental evidence that homozygous cell lines with the variant demonstate reduced EIF2B2 guanine nucleotide exchange factor activity (examples- Li_2004, Fogli_2004). One clinical diagnostic laboratory and the Gene Reviews database have submitted clinical-significance assessments for this variant to ClinVar after 2014 without evidence for independent evaluation. Both submitters cited the variant as pathogenic. Based on the evidence outlined above, the variant was classified as pathogenic.

Laboratorio de Genetica e Diagnostico Molecular, Hospital Israelita Albert Einstein
Classification: Pathogenic. Last evaluated: 2021-09-01. Review status: criteria provided, single submitter. Criteria: ACMG Guidelines, 2015. Collection method: clinical testing. Allele origin: germline. Affected: yes.
Comment: ACMG classification criteria: PS3, PM3, PP3

Revvity Omics, Revvity
Classification: Pathogenic for Leukoencephalopathy with vanishing white matter 2. Last evaluated: 2021-08-18. Review status: criteria provided, single submitter. Criteria: ACMG Guidelines, 2015. Collection method: clinical testing. Allele origin: germline.

AiLife Diagnostics
Classification: Pathogenic. Last evaluated: 2021-06-10. Review status: criteria provided, single submitter. Criteria: ACMG Guidelines, 2015. Collection method: clinical testing. Allele origin: germline. Affected: yes. Observed: 1 variant allele.

Victorian Clinical Genetics Services, Murdoch Childrens Research Institute
Classification: Pathogenic for Leukoencephalopathy with vanishing white matter 1. Last evaluated: 2021-05-06. Review status: criteria provided, single submitter. Criteria: ACMG Guidelines, 2015. Collection method: clinical testing. Allele origin: germline. Inheritance: Autosomal recessive inheritance. Affected: yes.
Comment: Based on the classification scheme VCGS_Germline_v1.3.4, this variant is classified as Pathogenic. Following criteria are met: 0102 - Loss of function is a known mechanism of disease in this gene and is associated with leukoencephalopathy with vanishing white matter (MIM#603896). (I) 0106 - This gene is associated with autosomal recessive disease. (I) 0200 - Variant is predicted to result in a missense amino acid change from glutamic acid to glycine. (I) 0251 - This variant is heterozygous. (I) 0304 - Variant is present in gnomAD <0.01 for a recessive condition (v3: 11 heterozygotes, 0 homozygotes). (SP) 0501 - Missense variant consistently predicted to be damaging by multiple in silico tools or highly conserved with a major amino acid change. (SP) 0600 - Variant is located in the annotated IF-2B domain (NCBI, DECIPHER). (I) 0801 - This variant has strong previous evidence of pathogenicity in unrelated individuals. It has been found in at least ten individuals with vanishing white matter and classified as pathogenic by diagnostic laboratories in Clinvar (PMID: 15136673, 31438897). (I) Legend: (SP) - Supporting pathogenic, (I) - Information, (SB) - Supporting benign

Illumina Laboratory Services, Illumina
Classification: Pathogenic for Leukoencephalopathy with vanishing white matter 1. Last evaluated: 2018-09-21. Review status: criteria provided, single submitter. Criteria: ICSL Variant Classification Criteria 09 May 2019. Collection method: clinical testing. Allele origin: germline.
Comment: The EIF2B2 c.638A>G (p.Glu213Gly) variant has been reported in three studies in which it is found in a total of 24 individuals with childhood ataxia with central nervous system hypomyelination/vanishing white matter including 15 homozygotes (including 11 siblings from five families) and nine compound heterozygotes (Leegwater et al. 2001; Fogli et al. 2004; Ohlenbusch et al. 2005). The p.Glu213Gly variant was absent from 307 controls (Leegwater et al. 2001, Fogli et al. 2004, Ohlenbusch et al. 2005) and is reported at a frequency of 0.000087 in the European (non-Finnish) population of the Genome Aggregation Database. Li et al. (2004) demonstrated in transfected HEK 293 cells that the p.Glu213Gly variant does not affect assembly of the EIF2B translation initiation factor complex but it does decrease EIF2B2 enzyme activity to 40-60% of wild type. In vivo assays also showed that the p.Glu213Gly variant enhanced eIF2 binding (Li et al. 2004). Based on the collective evidence, the p.Glu213Gly variant is classified as pathogenic for childhood ataxia with central nervous system hypomyelination/vanishing white matter.

NM_014239.4(EIF2B2):c.638A>G (p.Glu213Gly)

Gene: EIF2B2 (eukaryotic translation initiation factor 2B subunit beta; plus strand). Cytogenetic location: 14q24.3.
Variant type: single nucleotide variant.
Coding change: c.638A>G on transcript NM_014239.4 (MANE Select); coding-DNA position 638, A replaced by G.
Protein change: p.Glu213Gly; replaces glutamic acid 213 with glycine.
Molecular consequence: missense variant.
Genome position (GRCh38, 1-based): chr14:75,005,906, A>G. VCF-style: chr14-75005906-A-G. GRCh37 (hg19) VCF-style: chr14-75472609-A-G.
Other names: short protein forms E213G.
Identifiers: ClinVar variation 4336 (VCV000004336.34), dbSNP rs104894425, ClinGen allele CA116769.
Genomic context (GRCh38, chr14:75,005,906, plus strand): 5'-GCCTTTCCCTCCCATTGCAGGGTCATGAAATGGCTGTGAATTTGTCCAAAGCAGGTATTG[A>G]GACAACTGTCATGACTGATGCTGCCATTTTTGCCGTTATGTCAAGAGTCAACAAGGTGGG-3'
Protein context (NP_055054.1, residues 203-223): MAVNLSKAGI[Glu213Gly]TTVMTDAAIF